The following is an entry in ClinVar:

ClinVar aggregate classification (germline): Pathogenic (1 of 4 stars; one submission).

Conditions:
Dyskeratosis congenita. Identifiers: Orphanet 1775, MedGen C0265965, MONDO:0015780.

Submission:

Labcorp Genetics (formerly Invitae), Labcorp
Classification: Pathogenic for Dyskeratosis congenita. Last evaluated: 2021-03-10. Review status: criteria provided, single submitter. Criteria: Invitae Variant Classification Sherloc (09022015). Collection method: clinical testing. Allele origin: germline.
Comment: For these reasons, this variant has been classified as Pathogenic. This variant has not been reported in the literature in individuals with CTC1-related conditions. A gross deletion of the genomic region encompassing the full coding sequence of the CTC1 gene has been identified. Loss-of-function variants in CTC1 are known to be pathogenic (PMID: 22267198, 22387016). The boundaries of this event are unknown as they extend beyond the assayed region for this gene and therefore may encompass additional genes.

Literature cited by the submitters: PubMed 22267198; PubMed 22387016.

NC_000017.10:g.(?_8131498)_(8151354_?)del

Gene: CTC1 (CST telomere replication complex component 1; minus strand). Cytogenetic location: 17p13.1.
Variant type: Deletion.
Identifiers: ClinVar variation 1454320 (VCV001454320.2).